The following is an entry in ClinVar:

ClinVar aggregate classification (germline): Uncertain significance. Review status: criteria provided, multiple submitters, no conflicts (2 of 4 stars). 4 submissions from 4 submitters: Uncertain significance (4). Last evaluated 2026-05-20.

Conditions:
Hereditary cancer-predisposing syndrome. Also called: Hereditary Cancer Syndrome; Neoplastic Syndromes, Hereditary; Tumor predisposition; Hereditary neoplastic syndrome. Identifiers: Orphanet 140162, MedGen C0027672, MeSH D009386, MONDO:0015356.
Intrauterine growth retardation, metaphyseal dysplasia, adrenal hypoplasia congenita, genital anomalies, and immunodeficiency. Also called: IMAGEI SYNDROME. Identifiers: MedGen C5193036, MONDO:0032684, OMIM 618336.

Allele frequency attached by ClinVar (database versions not stated): gnomAD exomes 0.00001; TOPMed 0.00001.
gnomAD v4.1: 12 of 1,613,788 alleles (0.00074%); highest among the groups gnomAD compares: Admixed American, 0.005%; no homozygotes.

Submissions (4):

Ambry Genetics
Classification: Uncertain significance for Hereditary cancer-predisposing syndrome. Last evaluated: 2026-05-20. Review status: criteria provided, single submitter. Criteria: Ambry Variant Classification Scheme 2023. Collection method: clinical testing. Allele origin: germline.
Comment: The c.2551G>A (p.E851K) alteration is located in exon 22 (coding exon 22) of the POLE gene. This alteration results from a G to A substitution at nucleotide position 2551, causing the glutamic acid (E) at amino acid position 851 to be replaced by a lysine (K). Based on data from gnomAD, the A allele has an overall frequency of 0.001% (3/251308) total alleles studied. The highest observed frequency was 0.009% (3/34576) of Latino alleles. Based on insufficient or conflicting evidence, the clinical significance of this alteration remains unclear.

Labcorp Genetics (formerly Invitae), Labcorp
Classification: Uncertain significance. Last evaluated: 2025-05-14. Review status: criteria provided, single submitter. Criteria: Invitae Variant Classification Sherloc (09022015). Collection method: clinical testing. Allele origin: germline.
Comment: This sequence change replaces glutamic acid, which is acidic and polar, with lysine, which is basic and polar, at codon 851 of the POLE protein (p.Glu851Lys). This variant is present in population databases (no rsID available, gnomAD 0.009%). This variant has not been reported in the literature in individuals affected with POLE-related conditions. ClinVar contains an entry for this variant (Variation ID: 982772). Invitae Evidence Modeling of protein sequence and biophysical properties (such as structural, functional, and spatial information, amino acid conservation, physicochemical variation, residue mobility, and thermodynamic stability) indicates that this missense variant is expected to disrupt POLE protein function with a positive predictive value of 80%. In summary, the available evidence is currently insufficient to determine the role of this variant in disease. Therefore, it has been classified as a Variant of Uncertain Significance.

GeneDx
Classification: Uncertain significance. Last evaluated: 2019-07-10. Review status: criteria provided, single submitter. Criteria: GeneDx Variant Classification Process June 2021. Collection method: clinical testing. Allele origin: germline. Affected: yes.
Comment: Not observed at a significant frequency in large population cohorts (Lek et al., 2016); In silico analysis, which includes protein predictors and evolutionary conservation, supports a deleterious effect; Has not been previously published as pathogenic or benign to our knowledge

Institute of Human Genetics, University of Leipzig Medical Center
Classification: Uncertain significance for Intrauterine growth retardation, metaphyseal dysplasia, adrenal hypoplasia congenita, genital anomalies, and immunodeficiency. Last evaluated: 2019-01-01. Review status: criteria provided, single submitter. Criteria: ACMG Guidelines, 2015. Collection method: clinical testing. Allele origin: unknown. Affected: yes.

NM_006231.4(POLE):c.2551G>A (p.Glu851Lys)

Gene: POLE (DNA polymerase epsilon, catalytic subunit; minus strand). Cytogenetic location: 12q24.33.
Variant type: single nucleotide variant.
Coding change: c.2551G>A on transcript NM_006231.4 (MANE Select); coding-DNA position 2551, G replaced by A.
Protein change: p.Glu851Lys; replaces glutamic acid 851 with lysine.
Molecular consequence: missense variant.
Genome position (GRCh38, 1-based): chr12:132,664,380, C>T on the plus strand (G>A on the coding strand, the complement: POLE is on the minus strand). VCF-style: chr12-132664380-C-T. GRCh37 (hg19) VCF-style: chr12-133240966-C-T.
Other names: short protein forms E851K.
Identifiers: ClinVar variation 982772 (VCV000982772.9), dbSNP rs903152944, ClinGen allele CA246318814.
Genomic context (GRCh38, chr12:132,664,380, plus strand): 5'-CTTGCCCCCAGGACCTGCTCCCAGCCCCACGGCTCCCCTTCTGCACTCACCCAATCTGCT[C>T]GATCAGCTCCCGTGCCTGGGTGATGATGTTGGCCCCTGTGAAGCAGACGATGCCAGCCAT-3'
Protein context (NP_006222.2, residues 841-861): NIITQARELI[Glu851Lys]QIGRPLELDT